The following is an entry in ClinVar:

NM_080732.4(EGLN2):c.250G>A (p.Asp84Asn)

Genes: EGLN2 (egl-9 family hypoxia inducible factor 2; plus strand), RAB4B-EGLN2 (RAB4B-EGLN2 readthrough (NMD candidate); plus strand). Cytogenetic location: 19q13.2.
Variant type: single nucleotide variant.
Coding change: c.250G>A on transcript NM_080732.4 (MANE Select); coding-DNA position 250, G replaced by A.
Protein change: p.Asp84Asn; replaces aspartic acid 84 with asparagine.
Molecular consequence: missense variant. On other transcripts: non-coding transcript variant (1).
Genome position (GRCh38, 1-based): chr19:40,800,822, G>A. VCF-style: chr19-40800822-G-A. GRCh37 (hg19) VCF-style: chr19-41306727-G-A.
Other names: c.250G>A, p.Asp84Asn (NM_053046.4); short protein forms D84N.
Identifiers: ClinVar variation 1792376 (VCV001792376.3), dbSNP rs1188858084, ClinGen allele CA405954863.

ClinVar aggregate classification (germline): Uncertain significance (1 of 4 stars; one submission).

Allele frequency attached by ClinVar (database versions not stated): TOPMed below 0.00001; gnomAD 0.00001.
gnomAD v4.1: 3 of 1,613,180 alleles (0.00019%); highest among the groups gnomAD compares: East Asian, 0.0045%; no homozygotes.

Submission:

Ambry Genetics
Classification: Uncertain significance. Last evaluated: 2023-08-25. Review status: criteria provided, single submitter. Criteria: Ambry Variant Classification Scheme 2023. Collection method: clinical testing. Allele origin: germline.
Comment: The p.D84N variant (also known as c.250G>A), located in coding exon 1 of the EGLN2 gene, results from a G to A substitution at nucleotide position 250. The aspartic acid at codon 84 is replaced by asparagine, an amino acid with highly similar properties. This amino acid position is conserved. In addition, this alteration is predicted to be tolerated by in silico analysis. Since supporting evidence is limited at this time, the clinical significance of this alteration remains unclear.